The following is an entry in ClinVar:

ClinVar aggregate classification (germline): Uncertain significance (1 of 4 stars; one submission).

Conditions:
Progressive myoclonic epilepsy. Also called: Familial progressive myoclonic epilepsy; Myoclonic Epilepsies, Progressive; Myoclonus epilepsy; Progressive myoclonus epilepsy. Identifiers: Orphanet 308, Orphanet 98261, MedGen C0751778, MONDO:0020074.

gnomAD v4.1: 3 of 1,614,242 alleles (0.00019%); highest among the groups gnomAD compares: East Asian, 0.0045%; no homozygotes.

Submission:

Labcorp Genetics (formerly Invitae), Labcorp
Classification: Uncertain significance for Progressive myoclonic epilepsy. Last evaluated: 2022-08-01. Review status: criteria provided, single submitter. Criteria: Invitae Variant Classification Sherloc (09022015). Collection method: clinical testing. Allele origin: germline.
Comment: This variant is not present in population databases (gnomAD no frequency). In summary, the available evidence is currently insufficient to determine the role of this variant in disease. Therefore, it has been classified as a Variant of Uncertain Significance. Algorithms developed to predict the effect of missense changes on protein structure and function are either unavailable or do not agree on the potential impact of this missense change (SIFT: "Deleterious"; PolyPhen-2: "Benign"; Align-GVGD: "Class C25"). This variant has not been reported in the literature in individuals affected with EPM2A-related conditions. This sequence change replaces valine, which is neutral and non-polar, with leucine, which is neutral and non-polar, at codon 292 of the EPM2A protein (p.Val292Leu).

NM_005670.4(EPM2A):c.874G>T (p.Val292Leu)

Gene: EPM2A (EPM2A glucan phosphatase, laforin; minus strand). Cytogenetic location: 6q24.3.
Variant type: single nucleotide variant.
Coding change: c.874G>T on transcript NM_005670.4 (MANE Select); coding-DNA position 874, G replaced by T.
Protein change: p.Val292Leu; replaces valine 292 with leucine.
Molecular consequence: missense variant. On other transcripts: non-coding transcript variant (1).
Genome position (GRCh38, 1-based): chr6:145,627,538, C>A on the plus strand (G>T on the coding strand, the complement: EPM2A is on the minus strand). VCF-style: chr6-145627538-C-A. GRCh37 (hg19) VCF-style: chr6-145948674-C-A.
Other names: c.874G>T, p.Val292Leu (NM_001018041.2); c.632G>T, p.Gly211Val (NM_001360057.2); c.460G>T, p.Val154Leu (NM_001360064.2, NM_001360071.2, NM_001368131.1); c.412G>T, p.Val138Leu (NM_001368129.2, NM_001368132.1); short protein forms G211V, V138L, V154L, V292L.
Identifiers: ClinVar variation 1714679 (VCV001714679.5), dbSNP rs1775907192, ClinGen allele CA366190124.